The following is an entry in ClinVar:

NM_001267550.2(TTN):c.93288T>A (p.Tyr31096Ter)

Genes: TTN (titin; minus strand), TTN-AS1 (TTN antisense RNA 1; plus strand). Cytogenetic location: 2q31.2.
Variant type: single nucleotide variant.
Coding change: c.93288T>A on transcript NM_001267550.2 (MANE Select); coding-DNA position 93288, T replaced by A.
Protein change: p.Tyr31096Ter; replaces tyrosine 31096 with a stop codon.
Molecular consequence: nonsense.
Genome position (GRCh38, 1-based): chr2:178,548,338, A>T on the plus strand (T>A on the coding strand, the complement: TTN is on the minus strand). VCF-style: chr2-178548338-A-T. GRCh37 (hg19) VCF-style: chr2-179413065-A-T.
Other names: c.88365T>A, p.Tyr29455Ter (NM_001256850.1); c.66093T>A, p.Tyr22031Ter (NM_003319.4); c.85584T>A, p.Tyr28528Ter (NM_133378.4); c.66468T>A, p.Tyr22156Ter (NM_133432.3); c.66669T>A, p.Tyr22223Ter (NM_133437.4); short protein forms Y22156*, Y22223*, Y28528*, Y22031*, Y29455*, Y31096*.
Identifiers: ClinVar variation 2013960 (VCV002013960.5), dbSNP rs1280272876, ClinGen allele CA349486451.
Genomic context (GRCh38, chr2:178,548,338, plus strand): 5'-TGGAGCAGGCTGTTCTGTGGCTACAATTGGTTCTGGCATTTCATAGGGCTCACCAACACC[A>T]TACTCATTTACTGCAGAAACACGGAAATAGTACGGAACACCTTCGGCCAGGTCATTGACC-3'

ClinVar aggregate classification (germline): Likely pathogenic. Review status: criteria provided, multiple submitters, no conflicts (2 of 4 stars). 2 submissions from 2 submitters: Likely pathogenic (2). Last evaluated 2024-06-14.

Conditions:
Cardiovascular phenotype. Identifiers: MedGen CN230736.
Autosomal recessive limb-girdle muscular dystrophy type 2J (LGMDR10). Also called: Limb-girdle muscular dystrophy, type 2J; MUSCULAR DYSTROPHY, LIMB-GIRDLE, AUTOSOMAL RECESSIVE 10. Identifiers: Orphanet 140922, MedGen C1837342, MONDO:0012127, OMIM 608807.
Dilated cardiomyopathy 1G (CMD1G). Identifiers: Orphanet 154, MedGen C1858763, MONDO:0011400, OMIM 604145.

Submissions (2):

Molecular Diagnostic Laboratory for Inherited Cardiovascular Disease, Montreal Heart Institute
Classification: Likely pathogenic for Cardiovascular phenotype. Last evaluated: 2024-06-14. Review status: criteria provided, single submitter. Criteria: ACMG Guidelines, 2015. Collection method: clinical testing. Allele origin: germline. Affected: yes.
Comment: PVS1;PM2

Labcorp Genetics (formerly Invitae), Labcorp
Classification: Likely pathogenic for Dilated cardiomyopathy 1G; Autosomal recessive limb-girdle muscular dystrophy type 2J. Last evaluated: 2022-08-12. Review status: criteria provided, single submitter. Criteria: Invitae Variant Classification Sherloc (09022015). Collection method: clinical testing. Allele origin: germline.
Comment: This variant is not present in population databases (gnomAD no frequency). This variant has not been reported in the literature in individuals affected with TTN-related conditions. This variant is located in the A band of TTN (PMID: 25589632). Truncating variants in this region are significantly overrepresented in patients affected with dilated cardiomyopathy (PMID: 25589632). Truncating variants in this region have also been reported in individuals affected with autosomal recessive centronuclear myopathy (PMID: 23975875). In summary, the currently available evidence indicates that the variant is pathogenic, but additional data are needed to prove that conclusively. Therefore, this variant has been classified as Likely Pathogenic. This sequence change creates a premature translational stop signal (p.Tyr31096*) in the TTN gene. While this is not anticipated to result in nonsense mediated decay, it is expected to create a truncated TTN protein.

Literature cited by the submitters: PubMed 25589632 (cited by Labcorp Genetics (formerly Invitae), Labcorp); PubMed 23975875 (cited by Labcorp Genetics (formerly Invitae), Labcorp).